The following is an entry in ClinVar:

NM_014314.4(RIGI):c.691+59G>A

Gene: RIGI (RNA sensor RIG-I; minus strand). Cytogenetic location: 9p21.1.
Variant type: single nucleotide variant.
Coding change: c.691+59G>A on transcript NM_014314.4 (MANE Select); 59 bases into the intron after coding-DNA position 691, G replaced by A.
Molecular consequence: intron variant.
Genome position (GRCh38, 1-based): chr9:32,491,242, C>T on the plus strand (G>A on the coding strand, the complement: RIGI is on the minus strand). VCF-style: chr9-32491242-C-T. GRCh37 (hg19) VCF-style: chr9-32491240-C-T.
Other names: c.82+59G>A (NM_001385912.1); c.676+59G>A (NM_001385913.1); c.691+59G>A (NM_001385907.1, NM_001385909.1); c.250+59G>A (NM_001385914.1, NM_001385910.1).
Identifiers: ClinVar variation 2637874 (VCV002637874.2), dbSNP rs6476363, ClinGen allele CA192382681.
Genomic context (GRCh38, chr9:32,491,242, plus strand): 5'-TTCTTAATTTTCCTTACAAAACTTTTCACAAGGCTGTGACTTTGGGTACTGCAAAACAAG[C>T]CCCCACACCAAATACCAGAAGAGCACCATTATGGAAAAGGACAAACAATACCAGGTACCT-3'

ClinVar aggregate classification (germline): Benign (1 of 4 stars; one submission).

gnomAD v4.1: 850,464 of 1,580,764 alleles (54%); highest among the groups gnomAD compares: Middle Eastern, 62%; 235,088 homozygotes.

Submission:

Unidad de Genómica Garrahan, Hospital de Pediatría Garrahan
Classification: Benign. Last evaluated: 2023-11-14. Review status: criteria provided, single submitter. Criteria: ACMG Guidelines, 2015. Collection method: clinical testing. Allele origin: germline. Affected: no. Observed: 59 variant alleles.
Comment: This variant is classified as Benign based on local population frequency. This variant was detected in 61% of patients studied by a panel of primary immunodeficiencies. Number of patients: 59. Only high quality variants are reported.